The following is an entry in ClinVar:

NM_181712.5(KANK4):c.2594C>T (p.Thr865Ile)

Gene: KANK4 (KN motif and ankyrin repeat domains 4; minus strand). Cytogenetic location: 1p31.3.
Variant type: single nucleotide variant.
Coding change: c.2594C>T on transcript NM_181712.5 (MANE Select); coding-DNA position 2594, C replaced by T.
Protein change: p.Thr865Ile; replaces threonine 865 with isoleucine.
Molecular consequence: missense variant.
Genome position (GRCh38, 1-based): chr1:62,253,155, G>A on the plus strand (C>T on the coding strand, the complement: KANK4 is on the minus strand). VCF-style: chr1-62253155-G-A. GRCh37 (hg19) VCF-style: chr1-62718827-G-A.
Other names: c.710C>T, p.Thr237Ile (NM_001320269.2); c.2594C>T (NM_181712.4); short protein forms T865I, T237I.
Identifiers: ClinVar variation 2043550 (VCV002043550.7), dbSNP rs143679738, ClinGen allele CA884036.
Genomic context (GRCh38, chr1:62,253,155, plus strand): 5'-TCTCTTAAGAGCTTCCAGACAACAGCCATGTCTTCATTGGTCTCTGCGGAAGCCAAGGGA[G>A]TGATCATTACGGCAGTGTAGCCAGCTTTGTTCTGATGGTCCACATTGCAGACGCCTGCAA-3'
Protein context (NP_859063.3, residues 855-875): NKAGYTAVMI[Thr865Ile]PLASAETNED

ClinVar aggregate classification (germline): Benign/Likely benign. Review status: criteria provided, multiple submitters, no conflicts (2 of 4 stars). 3 submissions from 3 submitters: Benign (1); Likely benign (1). 1 of the submissions does not count toward it. Last evaluated 2026-01-31.

Conditions:
KANK4-related disorder. Also called: KANK4-related condition.

Allele frequency attached by ClinVar (database versions not stated): gnomAD exomes 0.00023; ExAC 0.00081; 1000 Genomes Project 30x 0.00187; 1000 Genomes Project 0.00200; gnomAD 0.00245; TOPMed 0.00267; ESP Exome Variant Server 0.00331.
gnomAD v4.1: 718 of 1,613,740 alleles (0.044%); highest among the groups gnomAD compares: African/African-American, 0.88%; 4 homozygotes.

Submissions (3):

Labcorp Genetics (formerly Invitae), Labcorp
Classification: Benign. Last evaluated: 2026-01-31. Review status: criteria provided, single submitter. Criteria: Invitae Variant Classification Sherloc (09022015). Collection method: clinical testing. Allele origin: germline.

Ambry Genetics
Classification: Likely benign. Last evaluated: 2025-11-13. Review status: criteria provided, single submitter. Criteria: Ambry Variant Classification Scheme 2023. Collection method: clinical testing. Allele origin: germline.

PreventionGenetics, part of Exact Sciences
Classification: Benign for KANK4-related condition. Last evaluated: 2021-10-21. Review status: no assertion criteria provided. Collection method: clinical testing. Allele origin: germline. Not counted in ClinVar's aggregate classification.
Comment: This variant is classified as benign based on ACMG/AMP sequence variant interpretation guidelines (Richards et al. 2015 PMID: 25741868, with internal and published modifications).